The following is an entry in ClinVar:

NM_021969.3(NR0B2):c.317C>T (p.Thr106Ile)

Genes: NR0B2 (nuclear receptor subfamily 0 group B member 2; minus strand), NUDC (nuclear distribution C, dynein complex regulator; plus strand). Cytogenetic location: 1p36.11.
Variant type: single nucleotide variant.
Coding change: c.317C>T on transcript NM_021969.3 (MANE Select); coding-DNA position 317, C replaced by T.
Protein change: p.Thr106Ile; replaces threonine 106 with isoleucine.
Molecular consequence: missense variant.
Genome position (GRCh38, 1-based): chr1:26,913,624, G>A on the plus strand (C>T on the coding strand, the complement: NR0B2 is on the minus strand). VCF-style: chr1-26913624-G-A. GRCh37 (hg19) VCF-style: chr1-27240115-G-A.
Other names: short protein forms T106I.
Identifiers: ClinVar variation 3356537 (VCV003356537.1).
Genomic context (GRCh38, chr1:26,913,624, plus strand): 5'-GGCTCCTCCAGCAGAATCTTCTTGAGTATGCTGGGCACCGGGGCCTCAGCCACCTCAAAG[G>A]TCACAGCATCTTGGGCCAACCCAAGCAGGAAGAGGGGGCCCCAGCAACCCTGCAGCAGCC-3'
Protein context (NP_068804.1, residues 96-116): FLLGLAQDAV[Thr106Ile]FEVAEAPVPS

ClinVar aggregate classification (germline): Uncertain significance (0 of 4 stars; one submission).

Conditions:
NR0B2-related disorder. Also called: NR0B2-related condition.

Submission:

PreventionGenetics, part of Exact Sciences
Classification: Uncertain significance for NR0B2-related condition. Last evaluated: 2024-05-08. Review status: no assertion criteria provided. Collection method: clinical testing. Allele origin: germline.
Comment: The NR0B2 c.317C>T variant is predicted to result in the amino acid substitution p.Thr106Ile. To our knowledge, this variant has not been reported in the literature or in a large population database, indicating this variant is rare. At this time, the clinical significance of this variant is uncertain due to the absence of conclusive functional and genetic evidence.